The following is an entry in ClinVar:

NM_001733.7(C1R):c.255G>A (p.Leu85=)

Gene: C1R (complement C1r; minus strand). Cytogenetic location: 12p13.31.
Variant type: single nucleotide variant.
Coding change: c.255G>A on transcript NM_001733.7 (MANE Select); coding-DNA position 255, G replaced by A.
Protein change: p.Leu85=; no amino-acid change (leucine 85 retained).
Molecular consequence: synonymous variant.
Genome position (GRCh38, 1-based): chr12:7,090,225, C>T on the plus strand (G>A on the coding strand, the complement: C1R is on the minus strand). VCF-style: chr12-7090225-C-T. GRCh37 (hg19) VCF-style: chr12-7242821-C-T.
Other names: p.Leu85=; c.297G>A, p.Leu99= (NM_001354346.2).
Identifiers: ClinVar variation 3902798 (VCV003902798.3).

ClinVar aggregate classification (germline): Benign/Likely benign. Review status: criteria provided, multiple submitters, no conflicts (2 of 4 stars). 3 submissions from 3 submitters: Benign (1); Likely benign (2). Last evaluated 2025-11-07.

gnomAD v4.1: 237 of 738,042 alleles (0.032%); highest among the groups gnomAD compares: Non-Finnish European, 0.029%; 3 homozygotes.

Submissions (3):

Mayo Clinic Laboratories, Mayo Clinic
Classification: Likely benign. Last evaluated: 2025-11-07. Review status: criteria provided, single submitter. Criteria: ACMG Guidelines, 2015. Collection method: clinical testing. Allele origin: germline. Observed: 1 variant allele.
Comment: BS1, BP4, BP7

Women's Health and Genetics/Laboratory Corporation of America, LabCorp
Classification: Benign. Last evaluated: 2025-05-20. Review status: criteria provided, single submitter. Criteria: LabCorp Variant Classification Summary - May 2015. Collection method: clinical testing. Allele origin: germline.

Blueprint Genetics
Classification: Likely benign. Last evaluated: 2024-08-28. Review status: criteria provided, single submitter. Criteria: ACMG Guidelines, 2015. Collection method: clinical testing. Allele origin: germline.